The following is an entry in ClinVar:

NM_000234.3(LIG1):c.599T>G (p.Val200Gly)

Gene: LIG1 (DNA ligase 1; minus strand). Cytogenetic location: 19q13.33.
Variant type: single nucleotide variant.
Coding change: c.599T>G on transcript NM_000234.3 (MANE Select); coding-DNA position 599, T replaced by G.
Protein change: p.Val200Gly; replaces valine 200 with glycine.
Molecular consequence: missense variant. On other transcripts: non-coding transcript variant (6).
Genome position (GRCh38, 1-based): chr19:48,150,186, A>C on the plus strand (T>G on the coding strand, the complement: LIG1 is on the minus strand). VCF-style: chr19-48150186-A-C. GRCh37 (hg19) VCF-style: chr19-48653443-A-C.
Other names: c.506T>G, p.Val169Gly (NM_001289063.2); c.395T>G, p.Val132Gly (NM_001289064.2); c.596T>G, p.Val199Gly (NM_001320970.2); c.509T>G, p.Val170Gly (NM_001320971.2); short protein forms V132G, V169G, V170G, V199G, V200G.
Identifiers: ClinVar variation 2105609 (VCV002105609.1), dbSNP rs2514241414, ClinGen allele CA406655168.
Genomic context (GRCh38, chr19:48,150,186, plus strand): 5'-GGCTTGGTCTGCTCTTCCTCCTCCTGCAGTTCCTGCTTCGTGGCCACCTCAGGCTCTGAA[A>C]CGCTTTCCGTCGGGGTCTCTGCTTCTGCGGTGAGAGAGCTCAGACGGTGATGCAAACTCT-3'
Protein context (NP_000225.1, residues 190-210): TSKAETPTES[Val200Gly]SEPEVATKQE

ClinVar aggregate classification (germline): Uncertain significance (1 of 4 stars; one submission).

Allele frequency attached by ClinVar (database versions not stated): gnomAD exomes below 0.00001.
gnomAD v4.1: 1 of 1,613,838 alleles (0.000062%); highest among the groups gnomAD compares: African/African-American, 0.0013%; no homozygotes.

Submission:

Labcorp Genetics (formerly Invitae), Labcorp
Classification: Uncertain significance. Last evaluated: 2022-07-14. Review status: criteria provided, single submitter. Criteria: Invitae Variant Classification Sherloc (09022015). Collection method: clinical testing. Allele origin: germline.
Comment: This sequence change replaces valine, which is neutral and non-polar, with glycine, which is neutral and non-polar, at codon 200 of the LIG1 protein (p.Val200Gly). This variant is not present in population databases (gnomAD no frequency). This variant has not been reported in the literature in individuals affected with LIG1-related conditions. Algorithms developed to predict the effect of missense changes on protein structure and function output the following: SIFT: "Deleterious"; PolyPhen-2: "Benign"; Align-GVGD: "Class C0". The glycine amino acid residue is found in multiple mammalian species, which suggests that this missense change does not adversely affect protein function. In summary, the available evidence is currently insufficient to determine the role of this variant in disease. Therefore, it has been classified as a Variant of Uncertain Significance.